The following is an entry in ClinVar:

ClinVar aggregate classification (germline): Pathogenic (1 of 4 stars; one submission).

Submission:

Labcorp Genetics (formerly Invitae), Labcorp
Classification: Pathogenic. Last evaluated: 2025-08-21. Review status: criteria provided, single submitter. Criteria: Invitae Variant Classification Sherloc (09022015). Collection method: clinical testing. Allele origin: germline.
Comment: This sequence change creates a premature translational stop signal (p.Val17Trpfs*31) in the DOCK6 gene. It is expected to result in an absent or disrupted protein product. Loss-of-function variants in DOCK6 are known to be pathogenic (PMID: 21820096, 25824905). This variant is not present in population databases (gnomAD no frequency). This variant has not been reported in the literature in individuals affected with DOCK6-related conditions. ClinVar contains an entry for this variant (Variation ID: 2023705). For these reasons, this variant has been classified as Pathogenic.

Literature cited by the submitters: PubMed 21820096; PubMed 25824905.

NM_020812.4(DOCK6):c.49del (p.Val17fs)

Gene: DOCK6 (dedicator of cytokinesis 6; minus strand). Cytogenetic location: 19p13.2.
Variant type: Deletion.
Coding change: c.49del on transcript NM_020812.4 (MANE Select); coding-DNA position 49, one base deleted (G; older notation c.49delG).
Protein change: p.Val17fs; shifts the reading frame from valine 17.
Molecular consequence: frameshift variant.
Genome position (GRCh38, 1-based): chr19:11,253,722, C deleted on the plus strand (G on the coding strand, the reverse complement: DOCK6 is on the minus strand); the first of 2 consecutive C bases (chr19:11,253,722-11,253,723); deleting either gives the same sequence. VCF-style (leftmost placement, unchanged base first): chr19-11253721-AC-A. GRCh37 (hg19) VCF-style: chr19-11364397-AC-A.
Other names: c.49del, p.Val17fs (NM_001367830.1); short protein forms V17fs.
Identifiers: ClinVar variation 2023705 (VCV002023705.4), dbSNP rs2513214903, ClinGen allele CA2580096423.